The following is an entry in ClinVar:

NM_000059.4(BRCA2):c.7615C>T (p.Gln2539Ter)

Gene: BRCA2 (BRCA2 DNA repair associated; plus strand). Cytogenetic location: 13q13.1.
Variant type: single nucleotide variant.
Coding change: c.7615C>T on transcript NM_000059.4 (MANE Select); coding-DNA position 7615, C replaced by T.
Protein change: p.Gln2539Ter; replaces glutamine 2539 with a stop codon.
Molecular consequence: nonsense.
Genome position (GRCh38, 1-based): chr13:32,356,607, C>T. VCF-style: chr13-32356607-C-T. GRCh37 (hg19) VCF-style: chr13-32930744-C-T.
Other names: 7843C>T(Q2539X); short protein forms Q2539*.
Identifiers: ClinVar variation 267024 (VCV000267024.14), dbSNP rs886040720, ClinGen allele CA10589440.

ClinVar aggregate classification (germline): Pathogenic. Review status: reviewed by expert panel (3 of 4 stars). 5 submissions from 5 submitters: Pathogenic (1). 4 of the submissions do not count toward it. Last evaluated 2016-10-18.

Conditions:
Breast-ovarian cancer, familial, susceptibility to, 2 (BROVCA2). Also called: BRCA2 Hereditary Breast and Ovarian Cancer. Identifiers: Orphanet 145, MedGen C2675520, MONDO:0012933, OMIM 612555. Disease mechanism: loss of function.
Hereditary breast ovarian cancer syndrome. Also called: BRCA1- and BRCA2-Associated Hereditary Breast and Ovarian Cancer; Hereditary breast and ovarian cancer; Breast and ovarian cancer; Hereditary breast and/or ovarian cancer syndrome; Hereditary breast and ovarian cancer syndrome; Hereditary breast and ovarian cancer syndrome (HBOC). Identifiers: Orphanet 145, MedGen C0677776, MeSH D061325, MONDO:0003582. Disease mechanism: loss of function.
Hereditary cancer-predisposing syndrome. Also called: Hereditary neoplastic syndrome; Neoplastic Syndromes, Hereditary; Tumor predisposition; Hereditary Cancer Syndrome. Identifiers: Orphanet 140162, MedGen C0027672, MeSH D009386, MONDO:0015356.

Allele frequency attached by ClinVar (database versions not stated): gnomAD exomes below 0.00001.
gnomAD v4.1: 2 of 1,613,950 alleles (0.00012%); highest among the groups gnomAD compares: East Asian, 0.0022%; no homozygotes.

Submissions (5):

Evidence-based Network for the Interpretation of Germline Mutant Alleles (ENIGMA)
Classification: Pathogenic for Breast-ovarian cancer, familial, susceptibility to, 2. Last evaluated: 2016-10-18. Review status: reviewed by expert panel. Criteria: ENIGMA BRCA1/2 Classification Criteria (2015). Collection method: curation. Allele origin: germline.
Comment: Variant allele predicted to encode a truncated non-functional protein.

Ambry Genetics
Classification: Pathogenic for Hereditary cancer-predisposing syndrome. Last evaluated: 2025-06-23. Review status: criteria provided, single submitter. Criteria: Ambry Variant Classification Scheme 2023. Collection method: clinical testing. Allele origin: germline. Not counted in ClinVar's aggregate classification.
Comment: The p.Q2539* pathogenic mutation (also known as c.7615C>T), located in coding exon 14 of the BRCA2 gene, results from a C to T substitution at nucleotide position 7615. This changes the amino acid from a glutamine to a stop codon within coding exon 14. This variant is considered to be rare based on population cohorts in the Genome Aggregation Database (gnomAD). This alteration is expected to result in loss of function by premature protein truncation or nonsense-mediated mRNA decay. As such, this alteration is interpreted as a disease-causing mutation.

Labcorp Genetics (formerly Invitae), Labcorp
Classification: Pathogenic for Hereditary breast ovarian cancer syndrome. Last evaluated: 2025-04-26. Review status: criteria provided, single submitter. Criteria: Invitae Variant Classification Sherloc (09022015). Collection method: clinical testing. Allele origin: germline. Not counted in ClinVar's aggregate classification.
Comment: This sequence change creates a premature translational stop signal (p.Gln2539*) in the BRCA2 gene. It is expected to result in an absent or disrupted protein product. Loss-of-function variants in BRCA2 are known to be pathogenic (PMID: 20104584). This variant is not present in population databases (gnomAD no frequency). This premature translational stop signal has been observed in individual(s) with breast and ovarian cancers (PMID: 29446198). ClinVar contains an entry for this variant (Variation ID: 267024). For these reasons, this variant has been classified as Pathogenic.

GeneDx
Classification: Pathogenic. Last evaluated: 2016-11-22. Review status: criteria provided, single submitter. Criteria: GeneDx Variant Classification (06012015). Collection method: clinical testing. Allele origin: germline. Affected: yes. Not counted in ClinVar's aggregate classification.
Comment: This pathogenic variant is denoted BRCA2 c.7615C>T at the cDNA level and p.Gln2539Ter (Q2539X) at the protein level. Using alternate nomenclature, this variant would be defined as BRCA2 7843C>T. The substitution creates a nonsense variant, which changes a Glutamine to a premature stop codon (CAG>TAG), and is predicted to cause loss of normal protein function through either protein truncation or nonsense-mediated mRNA decay. Although this variant has not, to our knowledge, been reported in the literature, it is considered pathogenic.

Consortium of Investigators of Modifiers of BRCA1/2 (CIMBA), c/o University of Cambridge
Classification: Pathogenic for Breast-ovarian cancer, familial, susceptibility to, 2. Last evaluated: 2015-10-02. Review status: criteria provided, single submitter. Criteria: CIMBA Mutation Classification guidelines May 2016. Collection method: clinical testing. Allele origin: germline. Not counted in ClinVar's aggregate classification.

Literature cited by the submitters: PubMed 20104584 (cited by Labcorp Genetics (formerly Invitae), Labcorp); PubMed 29446198 (cited by Labcorp Genetics (formerly Invitae), Labcorp).